The following is an entry in ClinVar:

NM_001267550.2(TTN):c.33743-15T>C

Gene: TTN (titin; minus strand). Cytogenetic location: 2q31.2.
Variant type: single nucleotide variant.
Coding change: c.33743-15T>C on transcript NM_001267550.2 (MANE Select); 15 bases into the intron before coding-DNA position 33743, T replaced by C.
Molecular consequence: intron variant.
Genome position (GRCh38, 1-based): chr2:178,678,845, A>G on the plus strand (T>C on the coding strand, the complement: TTN is on the minus strand). VCF-style: chr2-178678845-A-G. GRCh37 (hg19) VCF-style: chr2-179543572-A-G.
Other names: c.13283-36528T>C (NM_003319.4); c.13859-36528T>C (NM_133437.4); c.13658-36528T>C (NM_133432.3); c.30011-15T>C (NM_133378.4); c.32792-15T>C (NM_001256850.1).
Identifiers: ClinVar variation 515313 (VCV000515313.12), dbSNP rs112313732, ClinGen allele CA1998240.
Genomic context (GRCh38, chr2:178,678,845, plus strand): 5'-ACTGGTACTTTCTCCTCTGGCACAGGTTTCTTGGGCACTTCAGGAACTTCAAAGATATCA[A>G]ATAGAGTTAGTGTCACATTTTTTACCCATAGCTAAGATTTTAAGGCTGGCAATGTAAGGC-3'

ClinVar aggregate classification (germline): Likely benign. Review status: criteria provided, multiple submitters, no conflicts (2 of 4 stars). 5 submissions from 5 submitters: Likely benign (5). Last evaluated 2026-01-26.

Conditions:
Autosomal recessive limb-girdle muscular dystrophy type 2J (LGMDR10). Also called: Limb-girdle muscular dystrophy, type 2J; MUSCULAR DYSTROPHY, LIMB-GIRDLE, AUTOSOMAL RECESSIVE 10. Identifiers: Orphanet 140922, MedGen C1837342, MONDO:0012127, OMIM 608807.
Dilated cardiomyopathy 1G (CMD1G). Identifiers: Orphanet 154, MedGen C1858763, MONDO:0011400, OMIM 604145.

Allele frequency attached by ClinVar (database versions not stated): gnomAD exomes 0.00002 and 0.00007; ExAC 0.00009; ESP Exome Variant Server 0.00017; 1000 Genomes Project 0.00020; gnomAD 0.00020 and 0.00021; TOPMed 0.00021; 1000 Genomes Project 30x 0.00031.
gnomAD v4.1: 64 of 1,578,144 alleles (0.0041%); highest among the groups gnomAD compares: African/African-American, 0.076%; no homozygotes.

Submissions (5):

Labcorp Genetics (formerly Invitae), Labcorp
Classification: Likely benign for Dilated cardiomyopathy 1G; Autosomal recessive limb-girdle muscular dystrophy type 2J. Last evaluated: 2026-01-26. Review status: criteria provided, single submitter. Criteria: Invitae Variant Classification Sherloc (09022015). Collection method: clinical testing. Allele origin: germline.

Women's Health and Genetics/Laboratory Corporation of America, LabCorp
Classification: Likely benign. Last evaluated: 2025-09-15. Review status: criteria provided, single submitter. Criteria: LabCorp Variant Classification Summary - May 2015. Collection method: clinical testing. Allele origin: germline.

Blueprint Genetics
Classification: Likely benign. Last evaluated: 2023-05-12. Review status: criteria provided, single submitter. Criteria: ACMG Guidelines, 2015. Collection method: clinical testing. Allele origin: germline.

GeneDx
Classification: Likely benign. Last evaluated: 2018-02-01. Review status: criteria provided, single submitter. Criteria: GeneDx Variant Classification (06012015). Collection method: clinical testing. Allele origin: germline. Affected: yes.
Comment: This variant is considered likely benign or benign based on one or more of the following criteria: it is a conservative change, it occurs at a poorly conserved position in the protein, it is predicted to be benign by multiple in silico algorithms, and/or has population frequency not consistent with disease.

Breakthrough Genomics
Classification: Likely benign. Review status: criteria provided, single submitter. Criteria: ACMG Guidelines, 2015. Collection method: not provided. Allele origin: germline. Inheritance: Autosomal recessive inheritance. Affected: yes.